The following is an entry in ClinVar:

ClinVar aggregate classification (germline): Pathogenic (1 of 4 stars; one submission).

Submission:

Labcorp Genetics (formerly Invitae), Labcorp
Classification: Pathogenic. Last evaluated: 2018-01-10. Review status: criteria provided, single submitter. Criteria: Invitae Variant Classification Sherloc (09022015). Collection method: clinical testing. Allele origin: germline.
Comment: For these reasons, this variant has been classified as Pathogenic. Loss-of-function variants in PHIP are known to be pathogenic (PMID: 27900362). This variant has not been reported in the literature in individuals with PHIP-related disease. This variant is not present in population databases (ExAC no frequency). This sequence change creates a premature translational stop signal (p.Gly351Trpfs*16) in the PHIP gene. It is expected to result in an absent or disrupted protein product.

Literature cited by the submitters: PubMed 27900362.

NM_017934.7(PHIP):c.1050dup (p.Gly351fs)

Gene: PHIP (PHIP subunit of CUL4-Ring ligase complex; minus strand). Cytogenetic location: 6q14.1.
Variant type: Duplication.
Coding change: c.1050dup on transcript NM_017934.7 (MANE Select); coding-DNA position 1050, one base duplicated (T; older notation c.1050dupT).
Protein change: p.Gly351fs; shifts the reading frame from glycine 351.
Molecular consequence: frameshift variant.
Genome position (GRCh38, 1-based): chr6:79,017,528, A duplicated on the plus strand (T on the coding strand, the reverse complement: PHIP is on the minus strand); the first of 7 consecutive A bases (chr6:79,017,528-79,017,534); duplicating any one gives the same sequence. VCF-style (leftmost placement, unchanged base first): chr6-79017527-C-CA. GRCh37 (hg19) VCF-style: chr6-79727244-C-CA.
Other names: short protein forms G351fs.
Identifiers: ClinVar variation 1073105 (VCV001073105.9), dbSNP rs1473613198, ClinGen allele CA2499218574.
Genomic context (GRCh38, chr6:79,017,527, plus strand): 5'-TTTCACCAATACTTACAGTATGAAACTCCAATTCTGATATTTTCTCTGGCTGACCTGATC[C>CA]AAAAAAATAAACCCGAATAATATGATCTGTGCTTCCCGTCGCCAGAAACATTCCACCTAT-3'